The following is an entry in ClinVar:

ClinVar aggregate classification (germline): Pathogenic (1 of 4 stars; one submission).

Conditions:
Neurofibromatosis, type 1 (NF1). Also called: VON RECKLINGHAUSEN DISEASE; Neurofibromatosis, type I; Peripheral type neurofibromatosis; NEUROFIBROMATOSIS, TYPE I, SOMATIC. Identifiers: Orphanet 636, MedGen C0027831, MONDO:0018975, OMIM 162200. Disease mechanism: loss of function.

Submission:

Labcorp Genetics (formerly Invitae), Labcorp
Classification: Pathogenic for Neurofibromatosis, type 1. Last evaluated: 2022-10-24. Review status: criteria provided, single submitter. Criteria: Invitae Variant Classification Sherloc (09022015). Collection method: clinical testing. Allele origin: unknown.
Comment: For these reasons, this variant has been classified as Pathogenic. This variant disrupts a region of the NF1 protein in which other variant(s) (p.Leu1339Arg) have been determined to be pathogenic (PMID: 27322474). This suggests that this is a clinically significant region of the protein, and that variants that disrupt it are likely to be disease-causing. This variant has not been reported in the literature in individuals affected with NF1-related conditions. This variant results in the deletion of part of exon 30 (c.3975-3498_4042del) of the NF1 gene. It is expected to disrupt RNA splicing. Variants that disrupt the donor or acceptor splice site typically lead to a loss of protein function (PMID: 16199547), and loss-of-function variants in NF1 are known to be pathogenic (PMID: 10712197, 23913538).

Literature cited by the submitters: PubMed 27322474; PubMed 16199547; PubMed 10712197; PubMed 23913538.

NC_000017.10:g.(?_29572504)_(29576069_?)del

Gene: NF1 (neurofibromin 1; plus strand). Cytogenetic location: 17q11.2.
Variant type: Deletion.
Identifiers: ClinVar variation 3242901 (VCV003242901.1).